The following is an entry in ClinVar:

NM_005751.5(AKAP9):c.10469C>T (p.Thr3490Ile)

Gene: AKAP9 (A-kinase anchoring protein 9; plus strand). Cytogenetic location: 7q21.2.
Variant type: single nucleotide variant.
Coding change: c.10469C>T on transcript NM_005751.5 (MANE Select); coding-DNA position 10469, C replaced by T.
Protein change: p.Thr3490Ile; replaces threonine 3490 with isoleucine.
Molecular consequence: missense variant.
Genome position (GRCh38, 1-based): chr7:92,097,656, C>T. VCF-style: chr7-92097656-C-T. GRCh37 (hg19) VCF-style: chr7-91726970-C-T.
Other names: c.5114C>T, p.Thr1705Ile (NM_001379277.1); c.10445C>T, p.Thr3482Ile (NM_147185.3); short protein forms T1705I, T3490I, T3482I.
Identifiers: ClinVar variation 3849272 (VCV003849272.1).

ClinVar aggregate classification (germline): Uncertain significance (1 of 4 stars; one submission).

Conditions:
Cardiovascular phenotype. Identifiers: MedGen CN230736.

gnomAD v4.1: 2 of 1,614,052 alleles (0.00012%); highest among the groups gnomAD compares: Admixed American, 0.0033%; no homozygotes.

Submission:

Ambry Genetics
Classification: Uncertain significance for Cardiovascular phenotype. Last evaluated: 2024-12-28. Review status: criteria provided, single submitter. Criteria: Ambry Variant Classification Scheme 2023. Collection method: clinical testing. Allele origin: germline.
Comment: The p.T3490I variant (also known as c.10469C>T), located in coding exon 42 of the AKAP9 gene, results from a C to T substitution at nucleotide position 10469. The threonine at codon 3490 is replaced by isoleucine, an amino acid with similar properties. This amino acid position is conserved. In addition, this alteration is predicted to be tolerated by in silico analysis. Based on the available evidence, the clinical significance of this variant remains unclear.